The following is an entry in ClinVar:

NM_000455.5(STK11):c.952G>C (p.Ala318Pro)

Gene: STK11 (serine/threonine kinase 11; plus strand). Cytogenetic location: 19p13.3.
Variant type: single nucleotide variant.
Coding change: c.952G>C on transcript NM_000455.5 (MANE Select); coding-DNA position 952, G replaced by C.
Protein change: p.Ala318Pro; replaces alanine 318 with proline.
Molecular consequence: missense variant.
Genome position (GRCh38, 1-based): chr19:1,223,016, G>C. VCF-style: chr19-1223016-G-C. GRCh37 (hg19) VCF-style: chr19-1223015-G-C.
Other names: short protein forms A318P.
Identifiers: ClinVar variation 141724 (VCV000141724.17), dbSNP rs587781966, ClinGen allele CA023377.

ClinVar aggregate classification (germline): Conflicting classifications of pathogenicity. Review status: criteria provided, conflicting classifications (1 of 4 stars). 3 submissions from 3 submitters: Uncertain significance (2); Likely benign (1). Last evaluated 2026-07-30.

Conditions:
Hereditary cancer-predisposing syndrome. Also called: Neoplastic Syndromes, Hereditary; Hereditary Cancer Syndrome; Tumor predisposition; Hereditary neoplastic syndrome. Identifiers: Orphanet 140162, MedGen C0027672, MeSH D009386, MONDO:0015356.
Peutz-Jeghers syndrome (PJS). Also called: Peutz-Jeghers polyposis; Periorificial lentiginosis syndrome; POLYPOSIS, HAMARTOMATOUS INTESTINAL; POLYPS-AND-SPOTS SYNDROME. Identifiers: Orphanet 2869, MedGen C0031269, MeSH D010580, MONDO:0008280, OMIM 175200.

Submissions (3):

Ambry Genetics
Classification: Likely benign for Hereditary cancer-predisposing syndrome. Last evaluated: 2026-07-30. Review status: criteria provided, single submitter. Criteria: Ambry Variant Classification Scheme 2023. Collection method: clinical testing. Allele origin: germline.

Labcorp Genetics (formerly Invitae), Labcorp
Classification: Uncertain significance for Peutz-Jeghers syndrome. Last evaluated: 2023-05-25. Review status: criteria provided, single submitter. Criteria: Invitae Variant Classification Sherloc (09022015). Collection method: clinical testing. Allele origin: germline.
Comment: This variant is not present in population databases (gnomAD no frequency). This variant has not been reported in the literature in individuals affected with STK11-related conditions. ClinVar contains an entry for this variant (Variation ID: 141724). Advanced modeling of protein sequence and biophysical properties (such as structural, functional, and spatial information, amino acid conservation, physicochemical variation, residue mobility, and thermodynamic stability) performed at Invitae indicates that this missense variant is not expected to disrupt STK11 protein function. This sequence change replaces alanine, which is neutral and non-polar, with proline, which is neutral and non-polar, at codon 318 of the STK11 protein (p.Ala318Pro). In summary, the available evidence is currently insufficient to determine the role of this variant in disease. Therefore, it has been classified as a Variant of Uncertain Significance.

Genome-Nilou Lab
Classification: Uncertain significance for Peutz-Jeghers syndrome. Last evaluated: 2021-07-15. Review status: criteria provided, single submitter. Criteria: ACMG Guidelines, 2015. Collection method: clinical testing. Allele origin: germline. Affected: no.